The following is an entry in ClinVar:

NM_001211.6(BUB1B):c.2267A>C (p.Glu756Ala)

Gene: BUB1B (BUB1 mitotic checkpoint serine/threonine kinase B; plus strand). Cytogenetic location: 15q15.1.
Variant type: single nucleotide variant.
Coding change: c.2267A>C on transcript NM_001211.6 (MANE Select); coding-DNA position 2267, A replaced by C.
Protein change: p.Glu756Ala; replaces glutamic acid 756 with alanine.
Molecular consequence: missense variant.
Genome position (GRCh38, 1-based): chr15:40,209,758, A>C. VCF-style: chr15-40209758-A-C. GRCh37 (hg19) VCF-style: chr15-40501959-A-C.
Other names: short protein forms E756A.
Identifiers: ClinVar variation 3826134 (VCV003826134.1).

ClinVar aggregate classification (germline): Uncertain significance (1 of 4 stars; one submission).

Conditions:
Inborn genetic diseases. Identifiers: MedGen C0950123, MeSH D030342.

gnomAD v4.1: 1 of 1,614,162 alleles (0.000062%); highest among the groups gnomAD compares: South Asian, 0.0011%; no homozygotes.

Submission:

Ambry Genetics
Classification: Uncertain significance for Inborn genetic diseases. Last evaluated: 2025-03-08. Review status: criteria provided, single submitter. Criteria: Ambry Variant Classification Scheme 2023. Collection method: clinical testing. Allele origin: germline.
Comment: The p.E756A variant (also known as c.2267A>C), located in coding exon 17 of the BUB1B gene, results from an A to C substitution at nucleotide position 2267. The glutamic acid at codon 756 is replaced by alanine, an amino acid with dissimilar properties. This amino acid position is conserved. In addition, this alteration is predicted to be tolerated by in silico analysis. Based on the available evidence, the clinical significance of this variant remains unclear.